The following is an entry in ClinVar:

NM_020937.4(FANCM):c.4387-13C>G

Gene: FANCM (FA complementation group M; plus strand). Cytogenetic location: 14q21.2.
Variant type: single nucleotide variant.
Coding change: c.4387-13C>G on transcript NM_020937.4 (MANE Select); 13 bases into the intron before coding-DNA position 4387, C replaced by G.
Molecular consequence: intron variant.
Genome position (GRCh38, 1-based): chr14:45,183,761, C>G. VCF-style: chr14-45183761-C-G. GRCh37 (hg19) VCF-style: chr14-45652964-C-G.
Other names: c.4309-13C>G (NM_001308133.2).
Identifiers: ClinVar variation 3361644 (VCV003361644.1).
Genomic context (GRCh38, chr14:45,183,761, plus strand): 5'-TGTAAGAGCAATTTTACTTGTCTAGGAAGAAAATATTTTTTTCTTATGCAAGAATTTTGT[C>G]GAATTATTATAGTCAGAATTATCATCTAGTGATGAGAGTGAGAATTTTCCCAAACCATGT-3'

ClinVar aggregate classification (germline): Uncertain significance (1 of 4 stars; one submission).

gnomAD v4.1: 1 of 1,597,100 alleles (0.000063%); highest among the groups gnomAD compares: Non-Finnish European, 0.000086%; no homozygotes.

Submission:

GeneDx
Classification: Uncertain significance. Last evaluated: 2023-07-25. Review status: criteria provided, single submitter. Criteria: GeneDx Variant Classification Process June 2021. Collection method: clinical testing. Allele origin: germline. Affected: yes.
Comment: Not observed at significant frequency in large population cohorts (gnomAD); Has not been previously published as pathogenic or benign to our knowledge; In silico analysis is inconclusive as to whether the variant alters gene splicing. In the absence of RNA/functional studies, the actual effect of this sequence change is unknown.